The following is an entry in ClinVar:

ClinVar aggregate classification (germline): Uncertain significance (1 of 4 stars; one submission).

Conditions:
Tyrosinemia type I (TYRSN1). Also called: FAH DEFICIENCY; Tyrosinemia type 1; Fumarylacetoacetase deficiency; Deficiency of fumarylacetoacetase; HEPATORENAL TYROSINEMIA. Identifiers: Orphanet 882, MedGen C0268490, MONDO:0010161, OMIM 276700. Disease mechanism: loss of function.

Submission:

Labcorp Genetics (formerly Invitae), Labcorp
Classification: Uncertain significance for Tyrosinemia type I. Last evaluated: 2021-09-15. Review status: criteria provided, single submitter. Criteria: Invitae Variant Classification Sherloc (09022015). Collection method: clinical testing. Allele origin: germline.
Comment: This sequence change falls in intron 6 of the FAH gene. It does not directly change the encoded amino acid sequence of the FAH protein. It affects a nucleotide within the consensus splice site of the intron. The frequency data for this variant in the population databases is considered unreliable, as metrics indicate poor data quality at this position in the ExAC database. This variant has not been reported in the literature in individuals affected with FAH-related conditions. Variants that disrupt the consensus splice site are a relatively common cause of aberrant splicing (PMID: 17576681, 9536098). Algorithms developed to predict the effect of sequence changes on RNA splicing suggest that this variant may disrupt the consensus splice site. In summary, the available evidence is currently insufficient to determine the role of this variant in disease. Therefore, it has been classified as a Variant of Uncertain Significance.

Literature cited by the submitters: PubMed 17576681; PubMed 9536098.

NM_000137.4(FAH):c.542_553+4dup

Gene: FAH (fumarylacetoacetate hydrolase; plus strand). Cytogenetic location: 15q25.1.
Variant type: Duplication.
Coding change: c.542_553+4dup on transcript NM_000137.4 (MANE Select); coding-DNA position 542 through 4 bases into the intron after coding-DNA position 553, 16 bases duplicated (AACCTGATGACTGTGA).
Molecular consequence: splice donor variant.
Genome position (GRCh38, 1-based): chr15:80,168,138-80,168,153, AACCTGATGACTGTGA duplicated; duplicating any 16 consecutive bases within chr15:80,168,135-80,168,153 gives the same sequence; the c. name uses the placement nearest the transcript's 3' end. VCF-style (leftmost placement, unchanged base first): chr15-80168134-A-ATGAAACCTGATGACTG. GRCh37 (hg19) VCF-style: chr15-80460476-A-ATGAAACCTGATGACTG.
Other names: c.542_553+4dup (NM_001374377.1, NM_001374380.1).
Identifiers: ClinVar variation 1507889 (VCV001507889.3), dbSNP rs746554047, ClinGen allele CA7691206.
Genomic context (GRCh38, chr15:80,168,134, plus strand): 5'-CATGGCCGTGCCTCCTCTGTCGTGGTGTCTGGCACCCCAATCCGAAGGCCCATGGGACAG[A>ATGAAACCTGATGACTG]TGAAACCTGATGACTGTGAGTGACCGCAGCGTCCAGGCCTTGCTGGTACCCAGCTCTCTG-3'